The following is an entry in ClinVar:

NM_004655.4(AXIN2):c.1201-12C>T

Gene: AXIN2 (axin 2; minus strand). Cytogenetic location: 17q24.1.
Variant type: single nucleotide variant.
Coding change: c.1201-12C>T on transcript NM_004655.4 (MANE Select); 12 bases into the intron before coding-DNA position 1201, C replaced by T.
Molecular consequence: intron variant.
Genome position (GRCh38, 1-based): chr17:65,537,847, G>A on the plus strand (C>T on the coding strand, the complement: AXIN2 is on the minus strand). VCF-style: chr17-65537847-G-A. GRCh37 (hg19) VCF-style: chr17-63533965-G-A.
Other names: c.1201-12C>T (NM_001363813.1, LRG_296t1).
Identifiers: ClinVar variation 382757 (VCV000382757.9), dbSNP rs764293768, ClinGen allele CA8718719.

ClinVar aggregate classification (germline): Likely benign. Review status: criteria provided, multiple submitters, no conflicts (2 of 4 stars). 3 submissions from 3 submitters: Likely benign (3). Last evaluated 2025-10-15.

Conditions:
Oligodontia-cancer predisposition syndrome. Also called: TOOTH AGENESIS-COLORECTAL CANCER SYNDROME. Identifiers: Orphanet 300576, MedGen C1837750, MONDO:0012075, OMIM 608615. Disease mechanism: loss of function.

Allele frequency attached by ClinVar (database versions not stated): gnomAD 0.00001; gnomAD exomes 0.00001; TOPMed 0.00002; ExAC 0.00003.
gnomAD v4.1: 20 of 1,537,054 alleles (0.0013%); highest among the groups gnomAD compares: Non-Finnish European, 0.0016%; no homozygotes.

Submissions (3):

Labcorp Genetics (formerly Invitae), Labcorp
Classification: Likely benign for Oligodontia-cancer predisposition syndrome. Last evaluated: 2025-10-15. Review status: criteria provided, single submitter. Criteria: Invitae Variant Classification Sherloc (09022015). Collection method: clinical testing. Allele origin: germline.

Myriad Genetics, Inc.
Classification: Likely benign for Oligodontia-cancer predisposition syndrome. Last evaluated: 2024-07-01. Review status: criteria provided, single submitter. Criteria: Myriad Autosomal Dominant, Autosomal Recessive and X-Linked Classification Criteria (2023). Collection method: clinical testing. Allele origin: unknown.
Comment: This variant is considered likely benign. This variant is intronic and is not expected to impact mRNA splicing.

GeneDx
Classification: Likely benign. Last evaluated: 2016-01-04. Review status: criteria provided, single submitter. Criteria: GeneDx Variant Classification (06012015). Collection method: clinical testing. Allele origin: germline. Affected: yes.
Comment: This variant is considered likely benign or benign based on one or more of the following criteria: it is a conservative change, it occurs at a poorly conserved position in the protein, it is predicted to be benign by multiple in silico algorithms, and/or has population frequency not consistent with disease.